The following is an entry in ClinVar:

ClinVar aggregate classification (germline): Uncertain significance (1 of 4 stars; one submission).

Submission:

Athena Diagnostics
Classification: Uncertain significance. Last evaluated: 2025-06-10. Review status: criteria provided, single submitter. Criteria: Athena Diagnostics Criteria. Collection method: clinical testing. Allele origin: unknown.
Comment: Available data are insufficient to determine the clinical significance of the variant at this time. This variant has not been reported in large, multi-ethnic general populations. Polyphen and MutationTaster predict this amino acid change may be damaging to the protein. The variant is located in a region that is considered important for protein function and/or structure.

NM_014946.4(SPAST):c.1715T>G (p.Met572Arg)

Gene: SPAST (spastin; plus strand). Cytogenetic location: 2p22.3.
Variant type: single nucleotide variant.
Coding change: c.1715T>G on transcript NM_014946.4 (MANE Select); coding-DNA position 1715, T replaced by G.
Protein change: p.Met572Arg; replaces methionine 572 with arginine.
Molecular consequence: missense variant. On other transcripts: nonsense (1).
Genome position (GRCh38, 1-based): chr2:32,147,245, T>G. VCF-style: chr2-32147245-T-G. GRCh37 (hg19) VCF-style: chr2-32372314-T-G.
Other names: c.1712T>G, p.Met571Arg (NM_001363823.2); c.1616T>G, p.Met539Arg (NM_001363875.2); c.1548T>G, p.Tyr516Ter (NM_001377959.1); c.1619T>G, p.Met540Arg (NM_199436.2); short protein forms M539R, M540R, M571R, M572R, Y516*.
Identifiers: ClinVar variation 4682186 (VCV004682186.1).